The following is an entry in ClinVar:

ClinVar aggregate classification (germline): Likely benign (0 of 4 stars; one submission).

Conditions:
PROX1-related disorder. Also called: PROX1-related condition.

Allele frequency attached by ClinVar (database versions not stated): gnomAD exomes 0.00003; ExAC 0.00004; gnomAD 0.00005; TOPMed 0.00006; 1000 Genomes Project 30x 0.00031; 1000 Genomes Project 0.00040.
gnomAD v4.1: 50 of 1,604,970 alleles (0.0031%); highest among the groups gnomAD compares: Middle Eastern, 0.066%; no homozygotes.

Submission:

PreventionGenetics, part of Exact Sciences
Classification: Likely benign for PROX1-related condition. Last evaluated: 2019-09-18. Review status: no assertion criteria provided. Collection method: clinical testing. Allele origin: germline.
Comment: This variant is classified as likely benign based on ACMG/AMP sequence variant interpretation guidelines (Richards et al. 2015 PMID: 25741868, with internal and published modifications).

NM_001270616.2(PROX1):c.*4T>A

Gene: PROX1 (prospero homeobox 1; plus strand). Cytogenetic location: 1q32.3.
Variant type: single nucleotide variant.
Coding change: c.*4T>A on transcript NM_001270616.2 (MANE Select); 4 bases downstream of the stop codon, T replaced by A.
Molecular consequence: 3 prime UTR variant.
Genome position (GRCh38, 1-based): chr1:214,035,838, T>A. VCF-style: chr1-214035838-T-A. GRCh37 (hg19) VCF-style: chr1-214209181-T-A.
Other names: c.*4T>A (NM_002763.5).
Identifiers: ClinVar variation 3040264 (VCV003040264.2), dbSNP rs149049354, ClinGen allele CA1388133.
Genomic context (GRCh38, chr1:214,035,838, plus strand): 5'-GAAGTCCCTGAGATTTTCAAATCCCCGAACTGCCTACAAGAGCTGCTTCATGAGTAGAAA[T>A]TTCAACAACTCTTTTTGAATGTATGAAGAGTAGCAGTCCCCTTTGGATGTCCAAGTTATA-3'